The following is an entry in ClinVar:

ClinVar aggregate classification (germline): Uncertain significance (1 of 4 stars; one submission).

Conditions:
Dilated cardiomyopathy 1G (CMD1G). Identifiers: Orphanet 154, MedGen C1858763, MONDO:0011400, OMIM 604145.
Autosomal recessive limb-girdle muscular dystrophy type 2J (LGMDR10). Also called: MUSCULAR DYSTROPHY, LIMB-GIRDLE, AUTOSOMAL RECESSIVE 10; Limb-girdle muscular dystrophy, type 2J. Identifiers: Orphanet 140922, MedGen C1837342, MONDO:0012127, OMIM 608807.

gnomAD v4.1: 2 of 1,613,844 alleles (0.00012%); highest among the groups gnomAD compares: Non-Finnish European, 0.00017%; no homozygotes.

Submission:

Labcorp Genetics (formerly Invitae), Labcorp
Classification: Uncertain significance for Dilated cardiomyopathy 1G; Autosomal recessive limb-girdle muscular dystrophy type 2J. Last evaluated: 2022-09-28. Review status: criteria provided, single submitter. Criteria: Invitae Variant Classification Sherloc (09022015). Collection method: clinical testing. Allele origin: germline.
Comment: This variant is located in the M band of TTN (PMID: 25589632). Variants in this region may be relevant for neuromuscular disorders, but have not been definitively shown to cause cardiomyopathy (PMID: 23975875). In summary, the available evidence is currently insufficient to determine the role of this variant in disease. Therefore, it has been classified as a Variant of Uncertain Significance. Experimental studies and prediction algorithms are not available or were not evaluated, and the functional significance of this variant is currently unknown. This variant has not been reported in the literature in individuals affected with TTN-related conditions. This variant is present in population databases (no rsID available, gnomAD 0.002%). This sequence change replaces proline, which is neutral and non-polar, with serine, which is neutral and polar, at codon 34014 of the TTN protein (p.Pro34014Ser).

Literature cited by the submitters: PubMed 25589632; PubMed 23975875.

NM_001267550.2(TTN):c.102040C>T (p.Pro34014Ser)

Genes: TTN (titin; minus strand), TTN-AS1 (TTN antisense RNA 1; plus strand). Cytogenetic location: 2q31.2.
Variant type: single nucleotide variant.
Coding change: c.102040C>T on transcript NM_001267550.2 (MANE Select); coding-DNA position 102040, C replaced by T.
Protein change: p.Pro34014Ser; replaces proline 34014 with serine.
Molecular consequence: missense variant.
Genome position (GRCh38, 1-based): chr2:178,534,575, G>A on the plus strand (C>T on the coding strand, the complement: TTN is on the minus strand). VCF-style: chr2-178534575-G-A. GRCh37 (hg19) VCF-style: chr2-179399302-G-A.
Other names: c.97117C>T, p.Pro32373Ser (NM_001256850.1); c.74845C>T, p.Pro24949Ser (NM_003319.4); c.94336C>T, p.Pro31446Ser (NM_133378.4); c.75220C>T, p.Pro25074Ser (NM_133432.3); c.75421C>T, p.Pro25141Ser (NM_133437.4); short protein forms P24949S, P31446S, P32373S, P25074S, P25141S, P34014S.
Identifiers: ClinVar variation 1952923 (VCV001952923.5), dbSNP rs775271604, ClinGen allele CA349418505.